The following is an entry in ClinVar:

ClinVar aggregate classification (germline): Likely benign. Review status: criteria provided, multiple submitters, no conflicts (2 of 4 stars). 2 submissions from 2 submitters: Likely benign (2). Last evaluated 2026-07-07.

Conditions:
EPS8L2-related disorder. Also called: EPS8L2-related condition.

Allele frequency attached by ClinVar (database versions not stated): TOPMed 0.00005; gnomAD 0.00008; ExAC 0.00009; gnomAD exomes 0.00014.
gnomAD v4.1: 210 of 1,573,804 alleles (0.013%); highest among the groups gnomAD compares: Non-Finnish European, 0.015%; 1 homozygote.

Submissions (2):

PreventionGenetics, part of Exact Sciences
Classification: Likely benign for EPS8L2-related condition. Last evaluated: 2026-07-07. Review status: criteria provided, single submitter. Criteria: ACMG Guidelines, 2015. Collection method: clinical testing. Allele origin: germline.
Comment: This variant is classified as likely benign based on ACMG/AMP sequence variant interpretation guidelines (Richards et al. 2015 PMID: 25741868, with internal and published modifications).

Labcorp Genetics (formerly Invitae), Labcorp
Classification: Likely benign. Last evaluated: 2025-11-18. Review status: criteria provided, single submitter. Criteria: Invitae Variant Classification Sherloc (09022015). Collection method: clinical testing. Allele origin: germline.

NM_022772.4(EPS8L2):c.813C>T (p.Ala271=)

Gene: EPS8L2 (EPS8 signaling adaptor L2; plus strand). Cytogenetic location: 11p15.5.
Variant type: single nucleotide variant.
Coding change: c.813C>T on transcript NM_022772.4 (MANE Select); coding-DNA position 813, C replaced by T.
Protein change: p.Ala271=; no amino-acid change (alanine 271 retained).
Molecular consequence: synonymous variant.
Genome position (GRCh38, 1-based): chr11:721,609, C>T. VCF-style: chr11-721609-C-T. GRCh37 (hg19) VCF-style: chr11-721609-C-T.
Other names: c.813C>T (NM_022772.3).
Identifiers: ClinVar variation 2174017 (VCV002174017.5), dbSNP rs760820581, ClinGen allele CA5787273.
Genomic context (GRCh38, chr11:721,609, plus strand): 5'-CCCCCTCTGACCCCAGCAAATCCTCAACTGCGCCCTGGACGACATCGAGTGGTTTGTGGC[C>T]CGGCTGCAGAAGGCAGCCGAGGCTTTCAAGCAGCTGAACCAGCGGAAAAAGGGGAAGAAG-3'
Protein context (NP_073609.2, residues 261-281): CALDDIEWFV[Ala271=]RLQKAAEAFK